The following is an entry in ClinVar:

NM_001166108.2(PALLD):c.3310A>G (p.Lys1104Glu)

Genes: CBR4 (carbonyl reductase 4; minus strand), PALLD (palladin, cytoskeletal associated protein; plus strand). Cytogenetic location: 4q32.3.
Variant type: single nucleotide variant.
Coding change: c.3310A>G on transcript NM_001166108.2 (MANE Select); coding-DNA position 3310, A replaced by G.
Protein change: p.Lys1104Glu; replaces lysine 1104 with glutamic acid.
Molecular consequence: missense variant.
Genome position (GRCh38, 1-based): chr4:168,925,030, A>G. VCF-style: chr4-168925030-A-G. GRCh37 (hg19) VCF-style: chr4-169846181-A-G.
Other names: c.2113A>G, p.Lys705Glu (NM_001166109.2); c.1798A>G, p.Lys600Glu (NM_001166110.2); c.1138A>G, p.Lys380Glu (NM_001367567.1, NM_001367569.1); c.1189A>G, p.Lys397Glu (NM_001367568.1, NM_001367570.1); c.3259A>G, p.Lys1087Glu (NM_016081.4); short protein forms K380E, K600E, K1104E, K397E, K1087E, K705E.
Identifiers: ClinVar variation 1729493 (VCV001729493.2), dbSNP rs1762300357, ClinGen allele CA358714067.
Genomic context (GRCh38, chr4:168,925,030, plus strand): 5'-ATCTGCCTGCTCATTCAGGGAGCCACAAAAGAAGATGCTGGGTGGTATACTGTGTCAGCC[A>G]AGAATGAAGCAGGGATTGTGTCCTGTACTGCCAGGCTGGACGTTTACAGTGAGTGCCACT-3'
Protein context (NP_001159580.1, residues 1094-1114): EDAGWYTVSA[Lys1104Glu]NEAGIVSCTA

ClinVar aggregate classification (germline): Uncertain significance (1 of 4 stars; one submission).

Allele frequency attached by ClinVar (database versions not stated): gnomAD 0.00001.
gnomAD v4.1: 1 of 1,614,022 alleles (0.000062%); highest among the groups gnomAD compares: African/African-American, 0.0013%; no homozygotes.

Submission:

Ambry Genetics
Classification: Uncertain significance. Last evaluated: 2022-01-27. Review status: criteria provided, single submitter. Criteria: Ambry Variant Classification Scheme 2023. Collection method: clinical testing. Allele origin: germline.
Comment: The p.K1087E variant (also known as c.3259A>G), located in coding exon 18 of the PALLD gene, results from an A to G substitution at nucleotide position 3259. The lysine at codon 1087 is replaced by glutamic acid, an amino acid with similar properties. This amino acid position is conserved. In addition, this alteration is predicted to be deleterious by in silico analysis. Since supporting evidence is limited at this time, the clinical significance of this alteration remains unclear.